The following is an entry in ClinVar:

ClinVar aggregate classification (germline): Benign/Likely benign. Review status: criteria provided, multiple submitters, no conflicts (2 of 4 stars). 2 submissions from 2 submitters: Benign (1); Likely benign (1). Last evaluated 2026-04-28.

Conditions:
Colorectal cancer, hereditary nonpolyposis, type 7. Identifiers: Orphanet 144, MedGen C1858380, MONDO:0013725, OMIM 614385.

Submissions (2):

Myriad Genetics, Inc.
Classification: Benign for Colorectal cancer, hereditary nonpolyposis, type 7. Last evaluated: 2026-04-28. Review status: criteria provided, single submitter. Criteria: Myriad Autosomal Dominant, Autosomal Recessive and X-Linked Classification Criteria (2023). Collection method: clinical testing. Allele origin: unknown.
Comment: This variant is considered benign. This variant is a silent/synonymous amino acid change and it is not expected to impact splicing.

Ambry Genetics
Classification: Likely benign. Last evaluated: 2024-09-12. Review status: criteria provided, single submitter. Criteria: Ambry Variant Classification Scheme 2023. Collection method: clinical testing. Allele origin: germline.

NM_001040108.2(MLH3):c.507G>A (p.Glu169=)

Gene: MLH3 (mutL homolog 3; minus strand). Cytogenetic location: 14q24.3.
Variant type: single nucleotide variant.
Coding change: c.507G>A on transcript NM_001040108.2 (MANE Select); coding-DNA position 507, G replaced by A.
Protein change: p.Glu169=; no amino-acid change (glutamic acid 169 retained).
Molecular consequence: synonymous variant.
Genome position (GRCh38, 1-based): chr14:75,049,149, C>T on the plus strand (G>A on the coding strand, the complement: MLH3 is on the minus strand). VCF-style: chr14-75049149-C-T. GRCh37 (hg19) VCF-style: chr14-75515852-C-T.
Other names: c.507G>A, p.Glu169= (NM_014381.3).
Identifiers: ClinVar variation 3396714 (VCV003396714.2).